The following is an entry in ClinVar:

ClinVar aggregate classification (germline): Uncertain significance (1 of 4 stars; one submission).

Conditions:
Tuberous sclerosis 2 (TSC2). Identifiers: Orphanet 805, MedGen C1860707, MONDO:0013199, OMIM 613254.

Submission:

Labcorp Genetics (formerly Invitae), Labcorp
Classification: Uncertain significance for Tuberous sclerosis 2. Last evaluated: 2025-03-24. Review status: criteria provided, single submitter. Criteria: Invitae Variant Classification Sherloc (09022015). Collection method: clinical testing. Allele origin: germline.
Comment: This sequence change replaces leucine, which is neutral and non-polar, with phenylalanine, which is neutral and non-polar, at codon 995 of the TSC2 protein (p.Leu995Phe). This variant is not present in population databases (gnomAD no frequency). This variant has not been reported in the literature in individuals affected with TSC2-related conditions. ClinVar contains an entry for this variant (Variation ID: 3002112). Invitae Evidence Modeling of protein sequence and biophysical properties (such as structural, functional, and spatial information, amino acid conservation, physicochemical variation, residue mobility, and thermodynamic stability) indicates that this missense variant is not expected to disrupt TSC2 protein function with a negative predictive value of 95%. In summary, the available evidence is currently insufficient to determine the role of this variant in disease. Therefore, it has been classified as a Variant of Uncertain Significance.

NM_000548.5(TSC2):c.2983C>T (p.Leu995Phe)

Gene: TSC2 (TSC complex subunit 2; plus strand). Cytogenetic location: 16p13.3.
Variant type: single nucleotide variant.
Coding change: c.2983C>T on transcript NM_000548.5 (MANE Select); coding-DNA position 2983, C replaced by T.
Protein change: p.Leu995Phe; replaces leucine 995 with phenylalanine.
Molecular consequence: missense variant. On other transcripts: non-coding transcript variant (5).
Genome position (GRCh38, 1-based): chr16:2,079,048, C>T. VCF-style: chr16-2079048-C-T. GRCh37 (hg19) VCF-style: chr16-2129049-C-T.
Other names: c.2851C>T, p.Leu951Phe (NM_001077183.3, NM_001370404.1, NM_001406665.1); c.2983C>T, p.Leu995Phe (NM_001114382.3); c.2743C>T, p.Leu915Phe (NM_001318827.2); c.2707C>T, p.Leu903Phe (NM_001318829.2); c.2251C>T, p.Leu751Phe (NM_001318831.2, NM_001406687.1, NM_001406688.1); c.2884C>T, p.Leu962Phe (NM_001318832.2); c.2854C>T, p.Leu952Phe (NM_001363528.2, NM_001370405.1, NM_021055.3); c.2980C>T, p.Leu994Phe (NM_001406663.1, NM_001406664.1); and 18 more; short protein forms L417F, L504F, L752F, L795F, L914F, L952F, L981F, L982F.
Identifiers: ClinVar variation 3002112 (VCV003002112.3), dbSNP rs752248140, ClinGen allele CA394283585.